The following is an entry in ClinVar:

ClinVar aggregate classification (germline): Uncertain significance (1 of 4 stars; one submission).

Submission:

GeneDx
Classification: Uncertain significance. Last evaluated: 2024-09-18. Review status: criteria provided, single submitter. Criteria: GeneDx Variant Classification Process June 2021. Collection method: clinical testing. Allele origin: germline. Affected: yes.
Comment: Not observed at significant frequency in large population cohorts (gnomAD); Nonsense variant predicted to result in protein truncation or nonsense mediated decay in a gene or region of a gene for which loss of function is not a well-established mechanism of disease; Has not been previously published as pathogenic or benign to our knowledge

NM_001387430.1(SH2B1):c.487C>T (p.Arg163Ter)

Gene: SH2B1 (SH2B adaptor protein 1; plus strand). Cytogenetic location: 16p11.2.
Variant type: single nucleotide variant.
Coding change: c.487C>T on transcript NM_001387430.1 (MANE Select); coding-DNA position 487, C replaced by T.
Protein change: p.Arg163Ter; replaces arginine 163 with a stop codon.
Molecular consequence: nonsense. On other transcripts: intron variant (1).
Genome position (GRCh38, 1-based): chr16:28,866,581, C>T. VCF-style: chr16-28866581-C-T. GRCh37 (hg19) VCF-style: chr16-28877902-C-T.
Other names: c.487C>T, p.Arg163Ter (NM_001145795.2, NM_001145796.2, NM_001145797.2 and 4 more transcripts); c.-26-793C>T (NM_001308294.2); short protein forms R163*.
Identifiers: ClinVar variation 3773999 (VCV003773999.1).